The following is an entry in ClinVar:

NM_001377334.1(PIK3C2B):c.4385C>T (p.Pro1462Leu)

Gene: PIK3C2B (phosphatidylinositol-4-phosphate 3-kinase catalytic subunit type 2 beta; minus strand). Cytogenetic location: 1q32.1.
Variant type: single nucleotide variant.
Coding change: c.4385C>T on transcript NM_001377334.1 (MANE Select); coding-DNA position 4385, C replaced by T.
Protein change: p.Pro1462Leu; replaces proline 1462 with leucine.
Molecular consequence: missense variant.
Genome position (GRCh38, 1-based): chr1:204,429,934, G>A on the plus strand (C>T on the coding strand, the complement: PIK3C2B is on the minus strand). VCF-style: chr1-204429934-G-A. GRCh37 (hg19) VCF-style: chr1-204399062-G-A.
Other names: c.4301C>T, p.Pro1434Leu (NM_001377335.1); c.4385C>T, p.Pro1462Leu (NM_002646.4); short protein forms P1434L, P1462L.
Identifiers: ClinVar variation 3345839 (VCV003345839.1).

ClinVar aggregate classification (germline): Uncertain significance (0 of 4 stars; one submission).

Conditions:
PIK3C2B-related disorder. Also called: PIK3C2B-related condition.

gnomAD v4.1: 1 of 1,609,622 alleles (0.000062%); highest among the groups gnomAD compares: South Asian, 0.0011%; no homozygotes.

Submission:

PreventionGenetics, part of Exact Sciences
Classification: Uncertain significance for PIK3C2B-related condition. Last evaluated: 2024-04-02. Review status: no assertion criteria provided. Collection method: clinical testing. Allele origin: germline.
Comment: The PIK3C2B c.4385C>T variant is predicted to result in the amino acid substitution p.Pro1462Leu. To our knowledge, this variant has not been reported in the literature. This variant is reported in 0.0033% of alleles in individuals of South Asian descent in gnomAD. At this time, the clinical significance of this variant is uncertain due to the absence of conclusive functional and genetic evidence.